The following is an entry in ClinVar:

NM_000057.4(BLM):c.4226T>G (p.Phe1409Cys)

Gene: BLM (BLM RecQ like helicase; plus strand). Cytogenetic location: 15q26.1.
Variant type: single nucleotide variant.
Coding change: c.4226T>G on transcript NM_000057.4 (MANE Select); coding-DNA position 4226, T replaced by G.
Protein change: p.Phe1409Cys; replaces phenylalanine 1409 with cysteine.
Molecular consequence: missense variant.
Genome position (GRCh38, 1-based): chr15:90,815,251, T>G. VCF-style: chr15-90815251-T-G. GRCh37 (hg19) VCF-style: chr15-91358481-T-G.
Other names: c.4226T>G, p.Phe1409Cys (NM_001287246.2); c.3833T>G, p.Phe1278Cys (NM_001287247.2); c.3101T>G, p.Phe1034Cys (NM_001287248.2); short protein forms F1034C, F1409C, F1278C.
Identifiers: ClinVar variation 1738863 (VCV001738863.2), dbSNP rs761964212, ClinGen allele CA7739217.

ClinVar aggregate classification (germline): Uncertain significance (1 of 4 stars; one submission).

Conditions:
Hereditary cancer-predisposing syndrome. Also called: Hereditary Cancer Syndrome; Hereditary neoplastic syndrome; Neoplastic Syndromes, Hereditary; Tumor predisposition. Identifiers: Orphanet 140162, MedGen C0027672, MeSH D009386, MONDO:0015356.

Allele frequency attached by ClinVar (database versions not stated): gnomAD exomes below 0.00001; ExAC 0.00001.
gnomAD v4.1: 1 of 1,614,146 alleles (0.000062%); highest among the groups gnomAD compares: South Asian, 0.0011%; no homozygotes.

Submission:

Ambry Genetics
Classification: Uncertain significance for Hereditary cancer-predisposing syndrome. Last evaluated: 2021-08-01. Review status: criteria provided, single submitter. Criteria: Ambry Variant Classification Scheme 2023. Collection method: clinical testing. Allele origin: germline.
Comment: The p.F1409C variant (also known as c.4226T>G), located in coding exon 21 of the BLM gene, results from a T to G substitution at nucleotide position 4226. The phenylalanine at codon 1409 is replaced by cysteine, an amino acid with highly dissimilar properties. This amino acid position is conserved. In addition, this alteration is predicted to be deleterious by in silico analysis. Since supporting evidence is limited at this time, the clinical significance of this alteration remains unclear.